The following is an entry in ClinVar:

ClinVar aggregate classification (germline): Uncertain significance (1 of 4 stars; one submission).

Conditions:
Adenylosuccinate lyase deficiency (ADSLD). Also called: ADSL DEFICIENCY. Identifiers: Orphanet 46, MedGen C0268126, MONDO:0007068, OMIM 103050.

Submission:

Labcorp Genetics (formerly Invitae), Labcorp
Classification: Uncertain significance for Adenylosuccinate lyase deficiency. Last evaluated: 2022-03-20. Review status: criteria provided, single submitter. Criteria: Invitae Variant Classification Sherloc (09022015). Collection method: clinical testing. Allele origin: germline.
Comment: In summary, the available evidence is currently insufficient to determine the role of this variant in disease. Therefore, it has been classified as a Variant of Uncertain Significance. Experimental studies and prediction algorithms are not available or were not evaluated, and the functional significance of this variant is currently unknown. This variant has not been reported in the literature in individuals affected with ADSL-related conditions. This variant is not present in population databases (gnomAD no frequency). This variant occurs in a non-coding region of the ADSL gene. It does not change the encoded amino acid sequence of the ADSL protein.

NC_000022.11:g.40345822G>A

Gene: ADSL (adenylosuccinate lyase; plus strand). Cytogenetic location: 22q13.1.
Variant type: single nucleotide variant.
Genome position: GRCh38 VCF-style: chr22-40345822-G-A. GRCh37 (hg19) VCF-style: chr22-40741826-G-A.
Identifiers: ClinVar variation 2114812 (VCV002114812.5), dbSNP rs2518074584, ClinGen allele CA2580099782.